The following is an entry in ClinVar:

ClinVar aggregate classification (germline): Uncertain significance (1 of 4 stars; one submission).

Conditions:
PLXNA4-related disorder. Also called: PLXNA4-related condition.

gnomAD v4.1: 4 of 1,613,884 alleles (0.00025%); highest among the groups gnomAD compares: Non-Finnish European, 0.00034%; no homozygotes.

Submission:

PreventionGenetics, part of Exact Sciences
Classification: Uncertain significance for PLXNA4-related condition. Last evaluated: 2025-03-27. Review status: criteria provided, single submitter. Criteria: ACMG Guidelines, 2015. Collection method: clinical testing. Allele origin: germline.
Comment: The PLXNA4 c.2783G>A variant is predicted to result in the amino acid substitution p.Gly928Asp. To our knowledge, this variant has not been reported in the literature. This variant is reported in 0.00088% of alleles in individuals of European (Non-Finnish) descent in gnomAD. At this time, the clinical significance of this variant is uncertain due to the absence of conclusive functional and genetic evidence.

NM_020911.2(PLXNA4):c.2783G>A (p.Gly928Asp)

Gene: PLXNA4 (plexin A4; minus strand). Cytogenetic location: 7q32.3.
Variant type: single nucleotide variant.
Coding change: c.2783G>A on transcript NM_020911.2 (MANE Select); coding-DNA position 2783, G replaced by A.
Protein change: p.Gly928Asp; replaces glycine 928 with aspartic acid.
Molecular consequence: missense variant.
Genome position (GRCh38, 1-based): chr7:132,194,135, C>T on the plus strand (G>A on the coding strand, the complement: PLXNA4 is on the minus strand). VCF-style: chr7-132194135-C-T. GRCh37 (hg19) VCF-style: chr7-131878894-C-T.
Other names: c.2783G>A, p.Gly928Asp (NM_001393897.1); short protein forms G928D.
Identifiers: ClinVar variation 4983009 (VCV004983009.1).